The following is an entry in ClinVar:

NM_000789.4(ACE):c.38_49del (p.Leu13_Leu16del)

Gene: ACE (angiotensin I converting enzyme; plus strand). Cytogenetic location: 17q23.3.
Variant type: Deletion.
Coding change: c.38_49del on transcript NM_000789.4 (MANE Select); coding-DNA positions 38 to 49, 12 bases deleted (TGCTGCCGCTGC).
Protein change: p.Leu13_Leu16del.
Molecular consequence: inframe deletion. On other transcripts: 5 prime UTR variant (2).
Genome position (GRCh38, 1-based): chr17:63,477,132-63,477,143, TGCTGCCGCTGC deleted; deleting any 12 consecutive bases within chr17:63,477,127-63,477,143 gives the same sequence; the c. name uses the placement nearest the transcript's 3' end. VCF-style (leftmost placement, unchanged base first): chr17-63477126-GGCTGCTGCTGCC-G. GRCh37 (hg19) VCF-style: chr17-61554487-GGCTGCTGCTGCC-G.
Other names: c.-198_-187del (NM_001382700.1); c.-577_-566del (NM_001382701.1).
Identifiers: ClinVar variation 4854686 (VCV004854686.1).
Genomic context (GRCh38, chr17:63,477,126, plus strand): 5'-GGGCAGAGCCGAGCACCGCGCACCGCGTCATGGGGGCCGCCTCGGGCCGCCGGGGGCCGG[GGCTGCTGCTGCC>G]GCTGCCGCTGCTGTTGCTGCTGCCGCCGCAGCCCGCCCTGGCGTTGGACCCCGGGCTGCA-3'

ClinVar aggregate classification (germline): Uncertain significance (1 of 4 stars; one submission).

Conditions:
Renal tubular dysgenesis of genetic origin. Also called: PRIMITIVE RENAL TUBULE SYNDROME. Identifiers: Orphanet 97369, MedGen C5681536, MONDO:0009970, OMIM 267430.

Submission:

3billion
Classification: Uncertain significance for Renal tubular dysgenesis of genetic origin. Last evaluated: 2025-09-17. Review status: criteria provided, single submitter. Criteria: ACMG Guidelines, 2015. Collection method: clinical testing. Allele origin: germline. Affected: yes.
Comment: The variant is observed at an extremely low frequency in the gnomAD v4.1.0 dataset (total allele frequency: 0.001%). Predicted Consequence/Location: Inframe deletion located in a repeat region: not predicted to disrupt normal protein function. The variant has been reported to be associated with ACE-related disorder (PMID: 20607303). However, the evidence of pathogenicity is insufficient at this time. Therefore, this variant is classified as VUS according to the recommendation of ACMG/AMP guideline.

Literature cited by the submitters: PubMed 20607303.